The following is an entry in ClinVar:

NM_001371333.1(DIABLO):c.670G>A (p.Gly224Arg)

Genes: B3GNT4 (UDP-GlcNAc:betaGal beta-1,3-N-acetylglucosaminyltransferase 4; plus strand), DIABLO (diablo IAP-binding mitochondrial protein; minus strand). Cytogenetic location: 12q24.31.
Variant type: single nucleotide variant.
Coding change: c.670G>A on transcript NM_001371333.1 (MANE Select); coding-DNA position 670, G replaced by A.
Protein change: p.Gly224Arg; replaces glycine 224 with arginine.
Molecular consequence: missense variant. On other transcripts: 3 prime UTR variant (2).
Genome position (GRCh38, 1-based): chr12:122,208,431, C>T on the plus strand (G>A on the coding strand, the complement: DIABLO is on the minus strand). VCF-style: chr12-122208431-C-T. GRCh37 (hg19) VCF-style: chr12-122692978-C-T.
Other names: c.379G>A, p.Gly127Arg (NM_001278302.1); c.451G>A, p.Gly151Arg (NM_001278303.1); c.511G>A, p.Gly171Arg (NM_001278304.2, NM_138930.3); c.538G>A, p.Gly180Arg (NM_001278342.1); c.670G>A, p.Gly224Arg (NM_019887.6); c.*1043C>T (NM_001330492.2, NM_030765.4); short protein forms G224R, G171R, G180R, G127R, G151R.
Identifiers: ClinVar variation 288171 (VCV000288171.23), dbSNP rs150199226, ClinGen allele CA6843770.

ClinVar aggregate classification (germline): Benign/Likely benign. Review status: criteria provided, multiple submitters, no conflicts (2 of 4 stars). 6 submissions from 6 submitters: Benign (3); Likely benign (2). 1 of the submissions does not count toward it. Last evaluated 2025-12-16.

Conditions:
DIABLO-related disorder. Also called: DIABLO-related condition.

Allele frequency attached by ClinVar (database versions not stated): gnomAD exomes 0.00061; ExAC 0.00075; 1000 Genomes Project 30x 0.00109; 1000 Genomes Project 0.00120; ESP Exome Variant Server 0.00231; gnomAD 0.00253 and 0.00275; TOPMed 0.00283.
gnomAD v4.1: 741 of 1,613,946 alleles (0.046%); highest among the groups gnomAD compares: African/African-American, 0.83%; 2 homozygotes.

Submissions (6):

Labcorp Genetics (formerly Invitae), Labcorp
Classification: Benign. Last evaluated: 2025-12-16. Review status: criteria provided, single submitter. Criteria: Invitae Variant Classification Sherloc (09022015). Collection method: clinical testing. Allele origin: germline.

Blueprint Genetics
Classification: Likely benign. Last evaluated: 2024-11-22. Review status: criteria provided, single submitter. Criteria: ACMG Guidelines, 2015. Collection method: clinical testing. Allele origin: germline.

GeneDx
Classification: Benign. Last evaluated: 2019-01-28. Review status: criteria provided, single submitter. Criteria: GeneDx Variant Classification Process June 2021. Collection method: clinical testing. Allele origin: germline. Affected: yes.

Laboratory for Molecular Medicine, Mass General Brigham Personalized Medicine
Classification: Likely benign. Last evaluated: 2017-08-23. Review status: criteria provided, single submitter. Criteria: LMM Criteria. Collection method: clinical testing. Allele origin: germline. Observed: 1 variant allele.
Comment: p.Gly224Arg in exon 7 of DIABLO: This variant is not expected to have clinical s ignificance because it has been identified in 0.77% (79/10230) of African chromo somes by the Exome Aggregation Consortium (ExAC; dbSNP rs150199226).

Eurofins Ntd Llc (ga)
Classification: Benign. Last evaluated: 2016-06-22. Review status: criteria provided, single submitter. Criteria: EGL Classification Definitions 2015. Collection method: clinical testing. Allele origin: germline. Observed: 1 variant allele, 1 heterozygote.

PreventionGenetics, part of Exact Sciences
Classification: Benign for DIABLO-related condition. Last evaluated: 2020-02-05. Review status: no assertion criteria provided. Collection method: clinical testing. Allele origin: germline. Not counted in ClinVar's aggregate classification.
Comment: This variant is classified as benign based on ACMG/AMP sequence variant interpretation guidelines (Richards et al. 2015 PMID: 25741868, with internal and published modifications).